The following is an entry in ClinVar:

NM_002381.5(MATN3):c.304G>T (p.Val102Leu)

Gene: MATN3 (matrilin 3; minus strand). Cytogenetic location: 2p24.1.
Variant type: single nucleotide variant.
Coding change: c.304G>T on transcript NM_002381.5 (MANE Select); coding-DNA position 304, G replaced by T.
Protein change: p.Val102Leu; replaces valine 102 with leucine.
Molecular consequence: missense variant.
Genome position (GRCh38, 1-based): chr2:20,006,230, C>A on the plus strand (G>T on the coding strand, the complement: MATN3 is on the minus strand). VCF-style: chr2-20006230-C-A. GRCh37 (hg19) VCF-style: chr2-20205991-C-A.
Other names: short protein forms V102L.
Identifiers: ClinVar variation 896819 (VCV000896819.13), dbSNP rs199824694, ClinGen allele CA1543990.

ClinVar aggregate classification (germline): Uncertain significance. Review status: criteria provided, multiple submitters, no conflicts (2 of 4 stars). 3 submissions from 3 submitters: Uncertain significance (3). Last evaluated 2025-09-17.

Conditions:
Inborn genetic diseases. Identifiers: MedGen C0950123, MeSH D030342.
Multiple epiphyseal dysplasia type 5 (EDM5). Also called: MATN3-Related Multiple Epiphyseal Dysplasia; Microepiphyseal dysplasia, bilateral hereditary. Identifiers: Orphanet 93311, MedGen C1846843, MONDO:0011765, OMIM 607078.

Allele frequency attached by ClinVar (database versions not stated): gnomAD 0.00002; TOPMed 0.00003; ExAC 0.00006; gnomAD exomes 0.00006 and 0.00017; ESP Exome Variant Server 0.00008.

Submissions (3):

Labcorp Genetics (formerly Invitae), Labcorp
Classification: Uncertain significance. Last evaluated: 2025-09-17. Review status: criteria provided, single submitter. Criteria: Invitae Variant Classification Sherloc (09022015). Collection method: clinical testing. Allele origin: germline.
Comment: This sequence change replaces valine, which is neutral and non-polar, with leucine, which is neutral and non-polar, at codon 102 of the MATN3 protein (p.Val102Leu). This variant is present in population databases (rs199824694, gnomAD 0.01%). This variant has not been reported in the literature in individuals affected with MATN3-related conditions. ClinVar contains an entry for this variant (Variation ID: 896819). Invitae Evidence Modeling of protein sequence and biophysical properties (such as structural, functional, and spatial information, amino acid conservation, physicochemical variation, residue mobility, and thermodynamic stability) indicates that this missense variant is not expected to disrupt MATN3 protein function with a negative predictive value of 80%. In summary, the available evidence is currently insufficient to determine the role of this variant in disease. Therefore, it has been classified as a Variant of Uncertain Significance.

Ambry Genetics
Classification: Uncertain significance for Inborn genetic diseases. Last evaluated: 2025-08-26. Review status: criteria provided, single submitter. Criteria: Ambry Variant Classification Scheme 2023. Collection method: clinical testing. Allele origin: germline.

Illumina Laboratory Services, Illumina
Classification: Uncertain significance for Multiple epiphyseal dysplasia type 5. Last evaluated: 2018-01-12. Review status: criteria provided, single submitter. Criteria: ICSL Variant Classification Criteria 13 December 2019. Collection method: clinical testing. Allele origin: germline.